The following is an entry in ClinVar:

ClinVar aggregate classification (germline): Uncertain significance. Review status: criteria provided, multiple submitters, no conflicts (2 of 4 stars). 2 submissions from 2 submitters: Uncertain significance (2). Last evaluated 2025-02-07.

Conditions:
Inborn genetic diseases. Identifiers: MedGen C0950123, MeSH D030342.

Allele frequency attached by ClinVar (database versions not stated): TOPMed below 0.00001; gnomAD 0.00002; gnomAD exomes 0.00007; ExAC 0.00008.

Submissions (2):

Ambry Genetics
Classification: Uncertain significance for Inborn genetic diseases. Last evaluated: 2025-02-07. Review status: criteria provided, single submitter. Criteria: Ambry Variant Classification Scheme 2023. Collection method: clinical testing. Allele origin: germline.

Labcorp Genetics (formerly Invitae), Labcorp
Classification: Uncertain significance. Last evaluated: 2024-01-31. Review status: criteria provided, single submitter. Criteria: Invitae Variant Classification Sherloc (09022015). Collection method: clinical testing. Allele origin: germline.
Comment: This sequence change replaces valine, which is neutral and non-polar, with isoleucine, which is neutral and non-polar, at codon 229 of the TMC1 protein (p.Val229Ile). This variant is present in population databases (rs201827013, gnomAD 0.05%). This variant has not been reported in the literature in individuals affected with TMC1-related conditions. Advanced modeling of protein sequence and biophysical properties (such as structural, functional, and spatial information, amino acid conservation, physicochemical variation, residue mobility, and thermodynamic stability) performed at Invitae indicates that this missense variant is not expected to disrupt TMC1 protein function with a negative predictive value of 95%. In summary, the available evidence is currently insufficient to determine the role of this variant in disease. Therefore, it has been classified as a Variant of Uncertain Significance.

NM_138691.3(TMC1):c.685G>A (p.Val229Ile)

Gene: TMC1 (transmembrane channel like 1; plus strand). Cytogenetic location: 9q21.13.
Variant type: single nucleotide variant.
Coding change: c.685G>A on transcript NM_138691.3 (MANE Select); coding-DNA position 685, G replaced by A.
Protein change: p.Val229Ile; replaces valine 229 with isoleucine.
Molecular consequence: missense variant.
Genome position (GRCh38, 1-based): chr9:72,754,828, G>A. VCF-style: chr9-72754828-G-A. GRCh37 (hg19) VCF-style: chr9-75369744-G-A.
Other names: c.685G>A (NM_138691.2); short protein forms V229I.
Identifiers: ClinVar variation 3013632 (VCV003013632.2), dbSNP rs201827013, ClinGen allele CA5081758.
Genomic context (GRCh38, chr9:72,754,828, plus strand): 5'-CTTTGCTTCTTCATACAGTACCTCTGGGGTTTGCCATATGGCAGTTTACCTAGGAAAACC[G>A]TTCCCAGAGCCGAAGAGGCATCGGCAGCAAACTTTGGTGTGTTGTACGACTTCAATGTAA-3'
Protein context (NP_619636.2, residues 219-239): LPYGSLPRKT[Val229Ile]PRAEEASAAN